The following is an entry in ClinVar:

ClinVar aggregate classification (germline): Likely pathogenic (1 of 4 stars; one submission).

Conditions:
Alport syndrome. Also called: Hemorrhagic familial nephritis; Hemorrhagic hereditary nephritis; Congenital hereditary hematuria. Identifiers: Orphanet 63, MedGen C1567741, MONDO:0018965.

Submission:

Natera, Inc.
Classification: Likely pathogenic for Alport syndrome. Last evaluated: 2025-02-13. Review status: criteria provided, single submitter. Criteria: Natera Variant Classification Schema (03/2026). Collection method: clinical testing. Allele origin: germline.
Comment: The c.4253del variant in COL4A4 is a frameshift variant predicted to shift the reading frame beginning at codon 1418 and leads to a stop codon 134 codons downstream. This variant is expected to result in nonsense mediated decay, truncation, or a dysfunctional protein product. This variant is rare in the general population with a frequency below the threshold expected for the associated phenotype(s). Given the available evidence, this variant is classified as Likely Pathogenic.

NM_000092.5(COL4A4):c.4253del (p.Gly1418fs)

Gene: COL4A4 (collagen type IV alpha 4 chain; minus strand). Cytogenetic location: 2q36.3.
Variant type: Deletion.
Coding change: c.4253del on transcript NM_000092.5 (MANE Select); coding-DNA position 4253, one base deleted (G; older notation c.4253delG).
Protein change: p.Gly1418fs; shifts the reading frame from glycine 1418.
Molecular consequence: frameshift variant.
Genome position (GRCh38, 1-based): chr2:227,012,261, C deleted on the plus strand (G on the coding strand, the reverse complement: COL4A4 is on the minus strand); the first of 4 consecutive C bases (chr2:227,012,261-227,012,264); deleting any one gives the same sequence. VCF-style (leftmost placement, unchanged base first): chr2-227012260-AC-A. GRCh37 (hg19) VCF-style: chr2-227876976-AC-A.
Other names: c.4250delG, p.Gly1418Valfs (NM_000092.4); short protein forms G1418fs.
Identifiers: ClinVar variation 4065055 (VCV004065055.2).